The following is an entry in ClinVar:

NM_022168.4(IFIH1):c.1789G>C (p.Glu597Gln)

Gene: IFIH1 (interferon induced with helicase C domain 1; minus strand). Cytogenetic location: 2q24.2.
Variant type: single nucleotide variant.
Coding change: c.1789G>C on transcript NM_022168.4 (MANE Select); coding-DNA position 1789, G replaced by C.
Protein change: p.Glu597Gln; replaces glutamic acid 597 with glutamine.
Molecular consequence: missense variant.
Genome position (GRCh38, 1-based): chr2:162,277,670, C>G on the plus strand (G>C on the coding strand, the complement: IFIH1 is on the minus strand). VCF-style: chr2-162277670-C-G. GRCh37 (hg19) VCF-style: chr2-163134180-C-G.
Other names: short protein forms E597Q.
Identifiers: ClinVar variation 2950901 (VCV002950901.3), dbSNP rs963903258, ClinGen allele CA348999823.

ClinVar aggregate classification (germline): Uncertain significance (1 of 4 stars; one submission).

Conditions:
Singleton-Merten syndrome 1 (SGMRT1). Also called: Widened medullary cavities of bone, aortic calcification, abnormal dentition, and muscular weakness; Syndrome of widened medullary cavities of the metacarpals and phalanges, aortic calcification and abnormal dentition. Identifiers: Orphanet 85191, MedGen C4225427, MONDO:0024535, OMIM 182250.
Aicardi-Goutieres syndrome 7 (AGS7). Identifiers: Orphanet 51, MedGen C3888244, MONDO:0014367, OMIM 615846.

gnomAD v4.1: 1 of 1,604,450 alleles (0.000062%); highest among the groups gnomAD compares: Non-Finnish European, 0.000085%; no homozygotes.

Submission:

Labcorp Genetics (formerly Invitae), Labcorp
Classification: Uncertain significance for Aicardi-Goutieres syndrome 7; Singleton-Merten syndrome 1. Last evaluated: 2023-08-11. Review status: criteria provided, single submitter. Criteria: Invitae Variant Classification Sherloc (09022015). Collection method: clinical testing. Allele origin: germline.
Comment: In summary, the available evidence is currently insufficient to determine the role of this variant in disease. Therefore, it has been classified as a Variant of Uncertain Significance. Advanced modeling of protein sequence and biophysical properties (such as structural, functional, and spatial information, amino acid conservation, physicochemical variation, residue mobility, and thermodynamic stability) has been performed at Invitae for this missense variant, however the output from this modeling did not meet the statistical confidence thresholds required to predict the impact of this variant on IFIH1 protein function. This variant has not been reported in the literature in individuals affected with IFIH1-related conditions. This variant is present in population databases (no rsID available, gnomAD 0.0009%). This sequence change replaces glutamic acid, which is acidic and polar, with glutamine, which is neutral and polar, at codon 597 of the IFIH1 protein (p.Glu597Gln).